The following is an entry in ClinVar:

ClinVar aggregate classification (germline): Uncertain significance (0 of 4 stars; one submission).

Conditions:
INPP5E-related disorder. Also called: INPP5E-related condition.

Submission:

PreventionGenetics, part of Exact Sciences
Classification: Uncertain significance for INPP5E-related condition. Last evaluated: 2024-07-08. Review status: no assertion criteria provided. Collection method: clinical testing. Allele origin: germline.
Comment: The INPP5E c.1339G>A variant is predicted to result in the amino acid substitution p.Val447Ile. To our knowledge, this variant has not been reported in the literature or in a large population database, indicating this variant is rare. At this time, the clinical significance of this variant is uncertain due to the absence of conclusive functional and genetic evidence.

NM_019892.6(INPP5E):c.1339G>A (p.Val447Ile)

Gene: INPP5E (inositol polyphosphate-5-phosphatase E; minus strand). Cytogenetic location: 9q34.3.
Variant type: single nucleotide variant.
Coding change: c.1339G>A on transcript NM_019892.6 (MANE Select); coding-DNA position 1339, G replaced by A.
Protein change: p.Val447Ile; replaces valine 447 with isoleucine.
Molecular consequence: missense variant.
Genome position (GRCh38, 1-based): chr9:136,432,527, C>T on the plus strand (G>A on the coding strand, the complement: INPP5E is on the minus strand). VCF-style: chr9-136432527-C-T. GRCh37 (hg19) VCF-style: chr9-139326979-C-T.
Other names: c.1336G>A, p.Val446Ile (NM_001318502.2); short protein forms V446I, V447I.
Identifiers: ClinVar variation 3347003 (VCV003347003.1).
Genomic context (GRCh38, chr9:136,432,527, plus strand): 5'-GGACGCCCTCACCTGCGCTGGAGCGATAGGGGTTGGTGTCGGGCACATTTCTGGGCAGGA[C>T]CAGGGCTTGTACAGTCCTGGTGTAGTCCAGCAGCCGCTCCGCCACCTTCCCGTCACCTGC-3'
Protein context (NP_063945.2, residues 437-457): LDYTRTVQAL[Val447Ile]LPRNVPDTNP